The following is an entry in ClinVar:

ClinVar aggregate classification (germline): Uncertain significance (1 of 4 stars; one submission).

Conditions:
Heterotopia, periventricular, X-linked dominant (PVNH1). Also called: PERIVENTRICULAR NODULAR HETEROTOPIA 4; HETEROTOPIA, PERIVENTRICULAR, 1; PERIVENTRICULAR NODULAR HETEROTOPIA 1; X-linked periventricular heterotopia. Identifiers: Orphanet 2149, Orphanet 82004, MedGen C1848213, MONDO:0010233, OMIM 300049.
Oto-palato-digital syndrome, type II (OPD2). Also called: Otopalatodigital Syndrome, Type II; FACIOPALATOOSSEOUS SYNDROME; OPD II SYNDROME; Otopalatodigital Syndrome Type 2 (FLNA-OPD2). Identifiers: Orphanet 669, Orphanet 90652, MedGen C1844696, MONDO:0010571, OMIM 304120.
Melnick-Needles syndrome (MNS). Also called: MELNICK-NEEDLES OSTEODYSPLASTY; OSTEODYSPLASTY OF MELNICK AND NEEDLES; Melnick-Needles Syndrome (FLNA-MNS). Identifiers: Orphanet 2484, MedGen C0025237, MONDO:0010650, OMIM 309350.
Frontometaphyseal dysplasia (FMD1). Identifiers: Orphanet 1826, MedGen C0265293, MONDO:0015942.

Submission:

Labcorp Genetics (formerly Invitae), Labcorp
Classification: Uncertain significance for Oto-palato-digital syndrome, type II; Heterotopia, periventricular, X-linked dominant; Frontometaphyseal dysplasia; Melnick-Needles syndrome. Last evaluated: 2025-03-01. Review status: criteria provided, single submitter. Criteria: Invitae Variant Classification Sherloc (09022015). Collection method: clinical testing. Allele origin: germline.
Comment: This sequence change replaces isoleucine, which is neutral and non-polar, with threonine, which is neutral and polar, at codon 64 of the FLNA protein (p.Ile64Thr). This variant is not present in population databases (gnomAD no frequency). This variant has not been reported in the literature in individuals affected with FLNA-related conditions. Invitae Evidence Modeling of protein sequence and biophysical properties (such as structural, functional, and spatial information, amino acid conservation, physicochemical variation, residue mobility, and thermodynamic stability) has been performed for this missense variant. However, the output from this modeling did not meet the statistical confidence thresholds required to predict the impact of this variant on FLNA protein function. In summary, the available evidence is currently insufficient to determine the role of this variant in disease. Therefore, it has been classified as a Variant of Uncertain Significance.

NM_001110556.2(FLNA):c.191T>C (p.Ile64Thr)

Gene: FLNA (filamin A; minus strand). Cytogenetic location: Xq28.
Variant type: single nucleotide variant.
Coding change: c.191T>C on transcript NM_001110556.2 (MANE Select); coding-DNA position 191, T replaced by C.
Protein change: p.Ile64Thr; replaces isoleucine 64 with threonine.
Molecular consequence: missense variant.
Genome position (GRCh38, 1-based): chrX:154,371,055, A>G on the plus strand (T>C on the coding strand, the complement: FLNA is on the minus strand). VCF-style: chrX-154371055-A-G. GRCh37 (hg19) VCF-style: chrX-153599423-A-G.
Other names: c.191T>C, p.Ile64Thr (NM_001456.4); short protein forms I64T.
Identifiers: ClinVar variation 4789610 (VCV004789610.1).